The following is an entry in ClinVar:

NM_012330.4(KAT6B):c.640C>G (p.Pro214Ala)

Gene: KAT6B (lysine acetyltransferase 6B; plus strand). Cytogenetic location: 10q22.2.
Variant type: single nucleotide variant.
Coding change: c.640C>G on transcript NM_012330.4 (MANE Select); coding-DNA position 640, C replaced by G.
Protein change: p.Pro214Ala; replaces proline 214 with alanine.
Molecular consequence: missense variant.
Genome position (GRCh38, 1-based): chr10:74,959,988, C>G. VCF-style: chr10-74959988-C-G. GRCh37 (hg19) VCF-style: chr10-76719746-C-G.
Other names: c.640C>G, p.Pro214Ala (NM_001256468.2, NM_001256469.2, NM_001370132.1 and 10 more transcripts); c.102C>G, p.Phe34Leu (NM_001370134.1, NM_001370135.1); short protein forms F34L, P214A.
Identifiers: ClinVar variation 2502613 (VCV002502613.1), dbSNP rs777753333, ClinGen allele CA5564270.

ClinVar aggregate classification (germline): Uncertain significance (1 of 4 stars; one submission).

Allele frequency attached by ClinVar (database versions not stated): gnomAD exomes below 0.00001; ExAC 0.00001.
gnomAD v4.1: 1 of 1,611,332 alleles (0.000062%); highest among the groups gnomAD compares: South Asian, 0.0011%; no homozygotes.

Submission:

GeneDx
Classification: Uncertain significance. Last evaluated: 2022-11-22. Review status: criteria provided, single submitter. Criteria: GeneDx Variant Classification Process June 2021. Collection method: clinical testing. Allele origin: germline. Affected: yes.
Comment: In silico analysis supports that this missense variant has a deleterious effect on protein structure/function; Has not been previously published as pathogenic or benign to our knowledge